The following is an entry in ClinVar:

NM_152564.5(VPS13B):c.4778C>G (p.Pro1593Arg)

Gene: VPS13B (vacuolar protein sorting 13 homolog B; plus strand). Cytogenetic location: 8q22.2.
Variant type: single nucleotide variant.
Coding change: c.4778C>G on transcript NM_152564.5 (MANE Select); coding-DNA position 4778, C replaced by G.
Protein change: p.Pro1593Arg; replaces proline 1593 with arginine.
Molecular consequence: missense variant.
Genome position (GRCh38, 1-based): chr8:99,556,482, C>G. VCF-style: chr8-99556482-C-G. GRCh37 (hg19) VCF-style: chr8-100568710-C-G.
Other names: c.4853C>G, p.Pro1618Arg (NM_017890.5); short protein forms P1618R, P1593R.
Identifiers: ClinVar variation 4998081 (VCV004998081.1).
Genomic context (GRCh38, chr8:99,556,482, plus strand): 5'-ATTTTTGTTTTTTTCGCTGCCTTTACAGGAGAGCCTTGAACTTAGGAATTCTTCGAGATC[C>G]TGGATCAGAAATCGAAGACAGACAATACCAAATAGATCTGCAGTCCATCAATATTGGTAC-3'
Protein context (NP_689777.3, residues 1583-1603): RALNLGILRD[Pro1593Arg]GSEIEDRQYQ

ClinVar aggregate classification (germline): Uncertain significance (1 of 4 stars; one submission).

Conditions:
VPS13B-related disorder. Also called: VPS13B-related condition.

Submission:

PreventionGenetics, part of Exact Sciences
Classification: Uncertain significance for VPS13B-related condition. Last evaluated: 2025-02-26. Review status: criteria provided, single submitter. Criteria: ACMG Guidelines, 2015. Collection method: clinical testing. Allele origin: germline.
Comment: The VPS13B c.4778C>G variant is predicted to result in the amino acid substitution p.Pro1593Arg. To our knowledge, this variant has not been reported in the literature or in a large population database (gnomAD), indicating this variant is rare. At this time, the clinical significance of this variant is uncertain due to the absence of conclusive functional and genetic evidence.